The following is an entry in ClinVar:

NM_005585.5(SMAD6):c.1397T>A (p.Ile466Asn)

Gene: SMAD6 (SMAD family member 6; plus strand). Cytogenetic location: 15q22.31.
Variant type: single nucleotide variant.
Coding change: c.1397T>A on transcript NM_005585.5 (MANE Select); coding-DNA position 1397, T replaced by A.
Protein change: p.Ile466Asn; replaces isoleucine 466 with asparagine.
Molecular consequence: missense variant. On other transcripts: non-coding transcript variant (1).
Genome position (GRCh38, 1-based): chr15:66,781,441, T>A. VCF-style: chr15-66781441-T-A. GRCh37 (hg19) VCF-style: chr15-67073779-T-A.
Other names: short protein forms I466N.
Identifiers: ClinVar variation 4753255 (VCV004753255.1).

ClinVar aggregate classification (germline): Uncertain significance (1 of 4 stars; one submission).

Conditions:
Aortic valve disease 2 (AOVD2). Identifiers: MedGen C3542024, MONDO:0013902, OMIM 614823.

gnomAD v4.1: 1 of 1,605,386 alleles (0.000062%); highest among the groups gnomAD compares: African/African-American, 0.0013%; no homozygotes.

Submission:

Labcorp Genetics (formerly Invitae), Labcorp
Classification: Uncertain significance for Aortic valve disease 2. Last evaluated: 2025-11-04. Review status: criteria provided, single submitter. Criteria: Invitae Variant Classification Sherloc (09022015). Collection method: clinical testing. Allele origin: germline.
Comment: This sequence change replaces isoleucine, which is neutral and non-polar, with asparagine, which is neutral and polar, at codon 466 of the SMAD6 protein (p.Ile466Asn). This variant is not present in population databases (gnomAD no frequency). This variant has not been reported in the literature in individuals affected with SMAD6-related conditions. Invitae Evidence Modeling of protein sequence and biophysical properties (such as structural, functional, and spatial information, amino acid conservation, physicochemical variation, residue mobility, and thermodynamic stability) has been performed for this missense variant. However, the output from this modeling did not meet the statistical confidence thresholds required to predict the impact of this variant on SMAD6 protein function. In summary, the available evidence is currently insufficient to determine the role of this variant in disease. Therefore, it has been classified as a Variant of Uncertain Significance.